The following is an entry in ClinVar:

NM_004360.5(CDH1):c.15C>A (p.Ser5Arg)

Gene: CDH1 (cadherin 1; plus strand). Cytogenetic location: 16q22.1.
Variant type: single nucleotide variant.
Coding change: c.15C>A on transcript NM_004360.5 (MANE Select); coding-DNA position 15, C replaced by A.
Protein change: p.Ser5Arg; replaces serine 5 with arginine.
Molecular consequence: missense variant. On other transcripts: 5 prime UTR variant (2).
Genome position (GRCh38, 1-based): chr16:68,737,430, C>A. VCF-style: chr16-68737430-C-A. GRCh37 (hg19) VCF-style: chr16-68771333-C-A.
Other names: c.15C>A, p.Ser5Arg (NM_001317184.2); c.-1601C>A (NM_001317185.2); c.-1805C>A (NM_001317186.2); short protein forms S5R.
Identifiers: ClinVar variation 3265112 (VCV003265112.4).

ClinVar aggregate classification (germline): Conflicting classifications of pathogenicity. Review status: criteria provided, conflicting classifications (1 of 4 stars). 2 submissions from 2 submitters: Uncertain significance (1); Likely benign (1). Last evaluated 2026-05-08.

Conditions:
Hereditary cancer-predisposing syndrome. Also called: Neoplastic Syndromes, Hereditary; Tumor predisposition; Hereditary Cancer Syndrome; Hereditary neoplastic syndrome. Identifiers: Orphanet 140162, MedGen C0027672, MeSH D009386, MONDO:0015356.
Hereditary diffuse gastric adenocarcinoma (HDGC). Also called: DIFFUSE GASTRIC AND LOBULAR BREAST CANCER SYNDROME. Identifiers: Orphanet 26106, MedGen C1708349, MONDO:0007648, OMIM 137215.

gnomAD v4.1: 2 of 1,534,784 alleles (0.00013%); highest among the groups gnomAD compares: Non-Finnish European, 0.00017%; no homozygotes.

Submissions (2):

Ambry Genetics
Classification: Likely benign for Hereditary cancer-predisposing syndrome. Last evaluated: 2026-05-08. Review status: criteria provided, single submitter. Criteria: Ambry Variant Classification Scheme 2023. Collection method: clinical testing. Allele origin: germline.

Labcorp Genetics (formerly Invitae), Labcorp
Classification: Uncertain significance for Hereditary diffuse gastric adenocarcinoma. Last evaluated: 2024-10-07. Review status: criteria provided, single submitter. Criteria: Invitae Variant Classification Sherloc (09022015). Collection method: clinical testing. Allele origin: germline.
Comment: This sequence change replaces serine, which is neutral and polar, with arginine, which is basic and polar, at codon 5 of the CDH1 protein (p.Ser5Arg). This variant is not present in population databases (gnomAD no frequency). This variant has not been reported in the literature in individuals affected with CDH1-related conditions. An algorithm developed to predict the effect of missense changes on protein structure and function outputs the following: PolyPhen-2: "Benign". The arginine amino acid residue is found in multiple mammalian species, which suggests that this missense change does not adversely affect protein function. In summary, the available evidence is currently insufficient to determine the role of this variant in disease. Therefore, it has been classified as a Variant of Uncertain Significance.